The following is an entry in ClinVar:

NM_006031.6(PCNT):c.930C>T (p.His310=)

Gene: PCNT (pericentrin; plus strand). Cytogenetic location: 21q22.3.
Variant type: single nucleotide variant.
Coding change: c.930C>T on transcript NM_006031.6 (MANE Select); coding-DNA position 930, C replaced by T.
Protein change: p.His310=; no amino-acid change (histidine 310 retained).
Molecular consequence: synonymous variant.
Genome position (GRCh38, 1-based): chr21:46,346,952, C>T. VCF-style: chr21-46346952-C-T. GRCh37 (hg19) VCF-style: chr21-47766866-C-T.
Other names: c.576C>T, p.His192= (NM_001315529.2); c.930C>T (NM_006031.5).
Identifiers: ClinVar variation 281583 (VCV000281583.11), dbSNP rs778056605, ClinGen allele CA10078447.

ClinVar aggregate classification (germline): Conflicting classifications of pathogenicity. Review status: criteria provided, conflicting classifications (1 of 4 stars). 3 submissions from 3 submitters: Uncertain significance (1); Likely benign (1). 1 of the submissions does not count toward it. Last evaluated 2026-01-07.

Conditions:
PCNT-related disorder. Also called: PCNT-related condition.

Allele frequency attached by ClinVar (database versions not stated): TOPMed 0.00005; gnomAD 0.00006; ExAC 0.00010.
gnomAD v4.1: 197 of 1,596,982 alleles (0.012%); highest among the groups gnomAD compares: Non-Finnish European, 0.016%; no homozygotes.

Submissions (3):

Labcorp Genetics (formerly Invitae), Labcorp
Classification: Likely benign. Last evaluated: 2026-01-07. Review status: criteria provided, single submitter. Criteria: Invitae Variant Classification Sherloc (09022015). Collection method: clinical testing. Allele origin: germline.

Eurofins Ntd Llc (ga)
Classification: Uncertain significance. Last evaluated: 2015-06-30. Review status: criteria provided, single submitter. Criteria: EGL Classification Definitions 2015. Collection method: clinical testing. Allele origin: germline. Observed: 1 variant allele, 1 heterozygote.

PreventionGenetics, part of Exact Sciences
Classification: Likely benign for PCNT-related condition. Last evaluated: 2019-03-16. Review status: no assertion criteria provided. Collection method: clinical testing. Allele origin: germline. Not counted in ClinVar's aggregate classification.
Comment: This variant is classified as likely benign based on ACMG/AMP sequence variant interpretation guidelines (Richards et al. 2015 PMID: 25741868, with internal and published modifications).